The following is an entry in ClinVar:

NM_004035.7(ACOX1):c.1025A>G (p.Gln342Arg)

Gene: ACOX1 (acyl-CoA oxidase 1; minus strand). Cytogenetic location: 17q25.1.
Variant type: single nucleotide variant.
Coding change: c.1025A>G on transcript NM_004035.7 (MANE Select); coding-DNA position 1025, A replaced by G.
Protein change: p.Gln342Arg; replaces glutamine 342 with arginine.
Molecular consequence: missense variant.
Genome position (GRCh38, 1-based): chr17:75,951,497, T>C on the plus strand (A>G on the coding strand, the complement: ACOX1 is on the minus strand). VCF-style: chr17-75951497-T-C. GRCh37 (hg19) VCF-style: chr17-73947578-T-C.
Other names: c.911A>G, p.Gln304Arg (NM_001185039.2); c.1025A>G, p.Gln342Arg (NM_007292.6); short protein forms Q304R, Q342R.
Identifiers: ClinVar variation 2980195 (VCV002980195.3), dbSNP rs2065773659, ClinGen allele CA401063983.
Genomic context (GRCh38, chr17:75,951,497, plus strand): 5'-CCTTGACCAATGCCTTCGTTAATCCGGTGATAGGTCTCCTTCATGTATGCGCCCACAAAC[T>C]GGAAGGCATAGGCAGTGGCCAGGAGTGGAAAGAGTTTATACTGCTGGGTTTGAAAATCCA-3'
Protein context (NP_004026.2, residues 332-352): FPLLATAYAF[Gln342Arg]FVGAYMKETY

ClinVar aggregate classification (germline): Uncertain significance (1 of 4 stars; one submission).

Conditions:
Acyl-CoA oxidase deficiency. Also called: Peroxisomal acyl-CoA oxidase deficiency; STRAIGHT-CHAIN ACYL-CoA OXIDASE DEFICIENCY; Pseudoneonatal adrenoleukodystrophy. Identifiers: Orphanet 2971, MedGen C1849678, MONDO:0009919, OMIM 264470. Disease mechanism: loss of function.

Submission:

Labcorp Genetics (formerly Invitae), Labcorp
Classification: Uncertain significance for Acyl-CoA oxidase deficiency. Last evaluated: 2024-01-04. Review status: criteria provided, single submitter. Criteria: Invitae Variant Classification Sherloc (09022015). Collection method: clinical testing. Allele origin: germline.
Comment: This sequence change replaces glutamine, which is neutral and polar, with arginine, which is basic and polar, at codon 342 of the ACOX1 protein (p.Gln342Arg). This variant is not present in population databases (gnomAD no frequency). This variant has not been reported in the literature in individuals affected with ACOX1-related conditions. Advanced modeling of protein sequence and biophysical properties (such as structural, functional, and spatial information, amino acid conservation, physicochemical variation, residue mobility, and thermodynamic stability) performed at Invitae indicates that this missense variant is not expected to disrupt ACOX1 protein function with a negative predictive value of 80%. In summary, the available evidence is currently insufficient to determine the role of this variant in disease. Therefore, it has been classified as a Variant of Uncertain Significance.